The following continues an entry in ClinVar:

NM_000053.4(ATP7B):c.1995G>A (p.Met665Ile)

Gene: ATP7B. ClinVar aggregate classification (germline): Conflicting classifications of pathogenicity. Uncertain significance (17); Likely benign (3).

Submissions 13 to 24 of 24:

All of Us Research Program, National Institutes of Health
Classification: Uncertain significance for Wilson disease. Last evaluated: 2024-02-05. Review status: criteria provided, single submitter. Criteria: ACMG Guidelines, 2015. Collection method: clinical testing. Allele origin: germline. Inheritance: Autosomal recessive inheritance. Observed: 439 variant alleles, 439 heterozygotes.
Comment: This missense variant replaces methionine with isoleucine at codon 665 of the ATP7B protein. Computational prediction is inconclusive regarding the impact of this variant on protein structure and function (internally defined REVEL score threshold 0.5 < inconclusive < 0.7, PMID: 27666373). To our knowledge, functional studies have not been reported for this variant. This variant has been reported in many individuals affected with Wilson disease (PMID: 9671269, 20517649, 22484412, 22677543, 23518715, 24517292, 25825851, 30232804, 32118851, 32154060, 33640437). In several of these individuals, this variant was reported in the compound heterozygous state (PMID: 23518715, 25825851, 32118851, 33640437). However, at least one individual carrying this variant in trans with a known pathogenic variant was asymptomatic (PMID: 32043565). This variant has been identified in 408/280594 chromosomes in the general population by the Genome Aggregation Database (gnomAD). The available evidence is insufficient to determine the role of this variant in disease conclusively. Therefore, this variant is classified as a Variant of Uncertain Significance.

This study involves interpretation of variants in research participants for the purpose of population health screening. Participant phenotype was not available at the time of variant classification. Additional details can be found in publication PMID: 35346344, PMCID: PMC8962531

Genomic Research Center, Shahid Beheshti University of Medical Sciences
Classification: Uncertain significance for Wilson disease. Last evaluated: 2023-12-10. Review status: criteria provided, single submitter. Criteria: ACMG Guidelines, 2015. Collection method: clinical testing. Allele origin: inherited. Affected: yes.

Revvity Omics, Revvity
Classification: Uncertain significance for Wilson disease. Last evaluated: 2023-05-06. Review status: criteria provided, single submitter. Criteria: ACMG Guidelines, 2015. Collection method: clinical testing. Allele origin: germline.

Mendelics
Classification: Uncertain significance for Wilson disease. Last evaluated: 2021-10-22. Review status: criteria provided, single submitter. Criteria: Mendelics Assertion Criteria 2017. Collection method: clinical testing. Allele origin: unknown.

Genome-Nilou Lab
Classification: Uncertain significance for Wilson disease. Last evaluated: 2021-07-14. Review status: criteria provided, single submitter. Criteria: ACMG Guidelines, 2015. Collection method: clinical testing. Allele origin: germline. Affected: no.

Eurofins Ntd Llc (ga)
Classification: Uncertain significance. Last evaluated: 2017-04-04. Review status: criteria provided, single submitter. Criteria: EGL Classification Definitions 2015. Collection method: clinical testing. Allele origin: germline. Observed: 8 variant alleles, 8 heterozygotes.

Genetic Services Laboratory, University of Chicago
Classification: Uncertain significance for Wilson disease. Last evaluated: 2013-02-08. Review status: criteria provided, single submitter. Criteria: ACMG Guidelines, 2007. Collection method: clinical testing. Allele origin: germline. Inheritance: Autosomal recessive inheritance.

Neuberg Centre For Genomic Medicine, NCGM
Classification: Uncertain significance for Wilson disease. Review status: criteria provided, single submitter. Criteria: ACMG Guidelines, 2015. Collection method: clinical testing. Allele origin: germline. Inheritance: Autosomal recessive inheritance. Affected: yes.
Comment: The observed missense c.1995G>A(p.Met665Ile) variant in ATP7B gene has been reported in compound heterozygous state in individuals affected with Wilson disease (Tampaki M, et. al., 2020; Collins CJ, et. al., 2021; Wallace DF, et. al., 2020). This variant is present with an allele frequency of 0.1% in gnomAD Exomes database. This variant has been reported to the ClinVar database as Likely Benign/ Likely Pathogenic/ Uncertain Significance (multiple submissions). Computational evidence (Polyphen -Benign, SIFT -Damaging and MutationTaster -disease causing) predicts conflicting evidence on protein structure and function for this variant. The reference amino acid in ATP7B is predicted as conserved by GERP++ and PhyloP across 100 vertebrates. The amino acid Met at position 665 is changed to a Ile changing protein sequence and it might alter its composition and physico-chemical properties. For these reasons, this variant has been classified as Uncertain Significance.

Natera, Inc.
Classification: Uncertain significance for Wilson disease. Last evaluated: 2020-04-03. Review status: no assertion criteria provided. Collection method: clinical testing. Allele origin: germline. Not counted in ClinVar's aggregate classification.

Counsyl
Classification: Uncertain significance for Wilson disease. Last evaluated: 2018-06-07. Review status: no assertion criteria provided. Collection method: clinical testing. Allele origin: unknown. Not counted in ClinVar's aggregate classification.

Centre for Mendelian Genomics, University Medical Centre Ljubljana
Classification: Uncertain significance for Epileptic encephalopathy. Last evaluated: 2016-03-15. Review status: no assertion criteria provided. Collection method: clinical testing. Allele origin: unknown. Affected: yes. Not counted in ClinVar's aggregate classification.

Dr. Peter K. Rogan Lab, Western University
No classification provided (evidence only). Condition: Malignant tumor of urinary bladder. Review status: no classification provided. Collection method: in vitro. Allele origin: not applicable. Functional consequence: retained intron. Not counted in ClinVar's aggregate classification.

Literature cited by the submitters: PubMed 10447265 (cited by Women's Health and Genetics/Laboratory Corporation of America, LabCorp); PubMed 9671269 (cited by 5 submitters); PubMed 20517649 (cited by 3 submitters); PubMed 22692182 (cited by Women's Health and Genetics/Laboratory Corporation of America, LabCorp and Mayo Clinic Laboratories, Mayo Clinic); PubMed 23518715 (cited by 5 submitters); PubMed 22677543 (cited by 3 submitters); PubMed 22484412 (cited by 4 submitters); PubMed 23235335 (cited by Women's Health and Genetics/Laboratory Corporation of America, LabCorp); PubMed 24253677 (cited by Women's Health and Genetics/Laboratory Corporation of America, LabCorp); PubMed 25825851 (cited by 5 submitters); PubMed 24517292 (cited by 5 submitters); PubMed 30097039 (cited by 3 submitters); PubMed 30232804 (cited by Women's Health and Genetics/Laboratory Corporation of America, LabCorp and All of Us Research Program, National Institutes of Health); PubMed 31751128 (cited by Women's Health and Genetics/Laboratory Corporation of America, LabCorp); PubMed 32154060 (cited by 3 submitters); PubMed 32043565 (cited by 3 submitters); PubMed 31059521 (cited by Women's Health and Genetics/Laboratory Corporation of America, LabCorp); PubMed 32248359 (cited by Women's Health and Genetics/Laboratory Corporation of America, LabCorp and Mayo Clinic Laboratories, Mayo Clinic); PubMed 31449670 (cited by Women's Health and Genetics/Laboratory Corporation of America, LabCorp); PubMed 30275481 (cited by Women's Health and Genetics/Laboratory Corporation of America, LabCorp); PubMed 33640437 (cited by 4 submitters); PubMed 32118851 (cited by 3 submitters); PubMed 34405919 (cited by Women's Health and Genetics/Laboratory Corporation of America, LabCorp); PubMed 36112267 (cited by Women's Health and Genetics/Laboratory Corporation of America, LabCorp); PubMed 30476936 (cited by Women's Health and Genetics/Laboratory Corporation of America, LabCorp); PubMed 37937776 (cited by Women's Health and Genetics/Laboratory Corporation of America, LabCorp); PubMed 38532509 (cited by Women's Health and Genetics/Laboratory Corporation of America, LabCorp); PubMed 39535360 (cited by Women's Health and Genetics/Laboratory Corporation of America, LabCorp); PubMed 34620762 (cited by Women's Health and Genetics/Laboratory Corporation of America, LabCorp and Mayo Clinic Laboratories, Mayo Clinic); PubMed 35535697 (cited by Women's Health and Genetics/Laboratory Corporation of America, LabCorp); PubMed 36573661 (cited by Women's Health and Genetics/Laboratory Corporation of America, LabCorp and Mayo Clinic Laboratories, Mayo Clinic); PubMed 39502306 (cited by Women's Health and Genetics/Laboratory Corporation of America, LabCorp); PubMed 40661833 (cited by Women's Health and Genetics/Laboratory Corporation of America, LabCorp); PubMed 26764160 (cited by 3 submitters).